The following is an entry in ClinVar:

NM_018979.4(WNK1):c.3619G>C (p.Glu1207Gln)

Gene: WNK1 (WNK lysine deficient protein kinase 1; plus strand). Cytogenetic location: 12p13.33.
Variant type: single nucleotide variant.
Coding change: c.3619G>C on transcript NM_018979.4 (MANE Select); coding-DNA position 3619, G replaced by C.
Protein change: p.Glu1207Gln; replaces glutamic acid 1207 with glutamine.
Molecular consequence: missense variant.
Genome position (GRCh38, 1-based): chr12:883,524, G>C. VCF-style: chr12-883524-G-C. GRCh37 (hg19) VCF-style: chr12-992690-G-C.
Other names: c.4399G>C, p.Glu1467Gln (NM_001184985.2); c.2878G>C, p.Glu960Gln (NM_014823.3); c.4375G>C, p.Glu1459Gln (NM_213655.5); short protein forms E1207Q, E1459Q, E1467Q, E960Q.
Identifiers: ClinVar variation 4880882 (VCV004880882.2).

ClinVar aggregate classification (germline): Uncertain significance (1 of 4 stars; one submission).

Submission:

Dasa
Classification: Uncertain significance. Last evaluated: 2026-03-16. Review status: criteria provided, single submitter. Criteria: DASA Assertion Criteria. Collection method: clinical testing. Allele origin: germline.
Comment: NM_018979.4(WNK1):c.3619G>C (p.Glu1207Gln) is a missense variant that results in the substitution of glutamic acid with glutamine. This variant is rare in population databases. The currently available literature and clinical evidence are not sufficient to establish a definitive association between this variant and the reported condition. Therefore, this variant is classified as a variant of uncertain significance.